The following is an entry in ClinVar:

NM_000059.4(BRCA2):c.1125C>T (p.Pro375=)

Gene: BRCA2 (BRCA2 DNA repair associated; plus strand). Cytogenetic location: 13q13.1.
Variant type: single nucleotide variant.
Coding change: c.1125C>T on transcript NM_000059.4 (MANE Select); coding-DNA position 1125, C replaced by T.
Protein change: p.Pro375=; no amino-acid change (proline 375 retained).
Molecular consequence: synonymous variant.
Genome position (GRCh38, 1-based): chr13:32,332,603, C>T. VCF-style: chr13-32332603-C-T. GRCh37 (hg19) VCF-style: chr13-32906740-C-T.
Other names: 1353C>T.
Identifiers: ClinVar variation 125935 (VCV000125935.5), dbSNP rs276174806, ClinGen allele CA010877.

ClinVar aggregate classification (germline): Likely benign. Review status: reviewed by expert panel (3 of 4 stars). 3 submissions from 3 submitters: Likely benign (1). 2 of the submissions do not count toward it. Last evaluated 2017-06-29.

Conditions:
Hereditary breast ovarian cancer syndrome. Also called: Hereditary breast and ovarian cancer; Hereditary breast and/or ovarian cancer syndrome; BRCA1- and BRCA2-Associated Hereditary Breast and Ovarian Cancer; Hereditary breast and ovarian cancer syndrome; Hereditary breast and ovarian cancer syndrome (HBOC); Breast and ovarian cancer. Identifiers: Orphanet 145, MedGen C0677776, MeSH D061325, MONDO:0003582. Disease mechanism: loss of function.
Breast-ovarian cancer, familial, susceptibility to, 2 (BROVCA2). Also called: BRCA2 Hereditary Breast and Ovarian Cancer. Identifiers: Orphanet 145, MedGen C2675520, MONDO:0012933, OMIM 612555. Disease mechanism: loss of function.

Submissions (3):

Evidence-based Network for the Interpretation of Germline Mutant Alleles (ENIGMA)
Classification: Likely benign for Breast-ovarian cancer, familial, susceptibility to, 2. Last evaluated: 2017-06-29. Review status: reviewed by expert panel. Criteria: ENIGMA BRCA1/2 Classification Criteria (2017-06-29). Collection method: curation. Allele origin: germline.
Comment: Synonymous substitution variant, with low bioinformatic likelihood to result in a splicing aberration (Splicing prior probability 0.02).

Labcorp Genetics (formerly Invitae), Labcorp
Classification: Likely benign for Hereditary breast ovarian cancer syndrome. Last evaluated: 2024-07-26. Review status: criteria provided, single submitter. Criteria: Invitae Variant Classification Sherloc (09022015). Collection method: clinical testing. Allele origin: germline. Not counted in ClinVar's aggregate classification.

Breast Cancer Information Core (BIC) (BRCA2)
Classification: Benign for Breast-ovarian cancer, familial 2. Last evaluated: 2010-10-28. Review status: no assertion criteria provided. Collection method: clinical testing. Allele origin: germline. Affected: yes. Observed: 1 variant allele. Not counted in ClinVar's aggregate classification.